The following is an entry in ClinVar:

ClinVar aggregate classification (germline): Likely benign. Review status: criteria provided, multiple submitters, no conflicts (2 of 4 stars). 4 submissions from 4 submitters: Likely benign (4). Last evaluated 2026-01-04.

Conditions:
COL9A2-related disorder. Also called: COL9A2-related condition.

Allele frequency attached by ClinVar (database versions not stated): TOPMed 0.00004; gnomAD 0.00013; 1000 Genomes Project 30x 0.00016; 1000 Genomes Project 0.00020.

Submissions (4):

Labcorp Genetics (formerly Invitae), Labcorp
Classification: Likely benign. Last evaluated: 2026-01-04. Review status: criteria provided, single submitter. Criteria: Invitae Variant Classification Sherloc (09022015). Collection method: clinical testing. Allele origin: germline.

PreventionGenetics, part of Exact Sciences
Classification: Likely benign for COL9A2-related condition. Last evaluated: 2025-01-06. Review status: criteria provided, single submitter. Criteria: ACMG Guidelines, 2015. Collection method: clinical testing. Allele origin: germline.
Comment: This variant is classified as likely benign based on ACMG/AMP sequence variant interpretation guidelines (Richards et al. 2015 PMID: 25741868, with internal and published modifications).

Blueprint Genetics
Classification: Likely benign. Last evaluated: 2024-08-30. Review status: criteria provided, single submitter. Criteria: ACMG Guidelines, 2015. Collection method: clinical testing. Allele origin: germline.

GeneDx
Classification: Likely benign. Last evaluated: 2021-02-04. Review status: criteria provided, single submitter. Criteria: GeneDx Variant Classification Process June 2021. Collection method: clinical testing. Allele origin: germline. Affected: yes.

NM_001852.4(COL9A2):c.231C>T (p.Asp77=)

Gene: COL9A2 (collagen type IX alpha 2 chain; minus strand). Cytogenetic location: 1p34.2.
Variant type: single nucleotide variant.
Coding change: c.231C>T on transcript NM_001852.4 (MANE Select); coding-DNA position 231, C replaced by T.
Protein change: p.Asp77=; no amino-acid change (aspartic acid 77 retained).
Molecular consequence: synonymous variant.
Genome position (GRCh38, 1-based): chr1:40,314,223, G>A on the plus strand (C>T on the coding strand, the complement: COL9A2 is on the minus strand). VCF-style: chr1-40314223-G-A. GRCh37 (hg19) VCF-style: chr1-40779895-G-A.
Identifiers: ClinVar variation 517920 (VCV000517920.17), dbSNP rs372936826, ClinGen allele CA792064.
Genomic context (GRCh38, chr1:40,314,223, plus strand): 5'-GGCAGAGCCCTACCCTGCCCCACCCGACACTCAGCTACTCACATCAATCCCGGGCTTCCC[G>A]TCTGGCCCATCTGGCCCAGCTTTGCCAGGCTCGCCCTTGGGTCCCTTGAAAACAGAGATG-3'
Protein context (NP_001843.1, residues 67-87): EPGKAGPDGP[Asp77=]GKPGIDGLTG